The following is an entry in ClinVar:

NM_006642.5(SDCCAG8):c.191C>T (p.Ala64Val)

Gene: SDCCAG8 (SHH signaling and ciliogenesis regulator SDCCAG8; plus strand). Cytogenetic location: 1q43.
Variant type: single nucleotide variant.
Coding change: c.191C>T on transcript NM_006642.5 (MANE Select); coding-DNA position 191, C replaced by T.
Protein change: p.Ala64Val; replaces alanine 64 with valine.
Molecular consequence: missense variant. On other transcripts: 5 prime UTR variant (4).
Genome position (GRCh38, 1-based): chr1:243,270,228, C>T. VCF-style: chr1-243270228-C-T. GRCh37 (hg19) VCF-style: chr1-243433530-C-T.
Other names: c.191C>T (NM_006642.3); c.-922C>T (NM_001350246.2); c.-810C>T (NM_001350247.2); c.191C>T, p.Ala64Val (NM_001350248.2); c.-104C>T (NM_001350249.2); c.-1183C>T (NM_001350251.2); short protein forms A64V.
Identifiers: ClinVar variation 2062723 (VCV002062723.4), dbSNP rs573336252, ClinGen allele CA1483217.
Genomic context (GRCh38, chr1:243,270,228, plus strand): 5'-GAGAAGATGCACCAAATCTTTCTTTTAGCACCAGTGTGGGAAATGAGGACGCCAGGACAG[C>T]CTGGCCCGAATTACAACAGAGCCATGCTGGTGAGTGTGAATGTCAATCCTAGTCTGAATG-3'
Protein context (NP_006633.1, residues 54-74): TSVGNEDART[Ala64Val]WPELQQSHAV

ClinVar aggregate classification (germline): Uncertain significance. Review status: criteria provided, single submitter (1 of 4 stars). 2 submissions from 2 submitters: Uncertain significance (1). 1 of the submissions does not count toward it. Last evaluated 2022-03-11.

Conditions:
SDCCAG8-related disorder. Also called: SDCCAG8-Related Disorders; SDCCAG8-related condition.
Senior-Loken syndrome 7 (SLSN7). Identifiers: Orphanet 3156, MedGen C3150877, MONDO:0013326, OMIM 613615.
Bardet-Biedl syndrome 16 (BBS16). Identifiers: Orphanet 110, MedGen C3889474, MONDO:0014444, OMIM 615993.

Allele frequency attached by ClinVar (database versions not stated): gnomAD exomes 0.00001; ExAC 0.00002; gnomAD 0.00002; TOPMed 0.00002.
gnomAD v4.1: 11 of 1,614,040 alleles (0.00068%); highest among the groups gnomAD compares: Non-Finnish European, 0.00085%; no homozygotes.

Submissions (2):

Labcorp Genetics (formerly Invitae), Labcorp
Classification: Uncertain significance for Bardet-Biedl syndrome 16; Senior-Loken syndrome 7. Last evaluated: 2022-03-11. Review status: criteria provided, single submitter. Criteria: Invitae Variant Classification Sherloc (09022015). Collection method: clinical testing. Allele origin: germline.
Comment: This variant is present in population databases (rs573336252, gnomAD 0.004%). This sequence change replaces alanine, which is neutral and non-polar, with valine, which is neutral and non-polar, at codon 64 of the SDCCAG8 protein (p.Ala64Val). This variant has not been reported in the literature in individuals affected with SDCCAG8-related conditions. Algorithms developed to predict the effect of missense changes on protein structure and function are either unavailable or do not agree on the potential impact of this missense change (SIFT: "Tolerated"; PolyPhen-2: "Possibly Damaging"; Align-GVGD: "Class C0"). In summary, the available evidence is currently insufficient to determine the role of this variant in disease. Therefore, it has been classified as a Variant of Uncertain Significance.

PreventionGenetics, part of Exact Sciences
Classification: Uncertain significance for SDCCAG8-related condition. Last evaluated: 2024-02-07. Review status: no assertion criteria provided. Collection method: clinical testing. Allele origin: germline. Not counted in ClinVar's aggregate classification.
Comment: The SDCCAG8 c.191C>T variant is predicted to result in the amino acid substitution p.Ala64Val. To our knowledge, this variant has not been reported in the literature. This variant is reported in 0.0099% of alleles in individuals of Ashkenazi Jewish descent in gnomAD. At this time, the clinical significance of this variant is uncertain due to the absence of conclusive functional and genetic evidence.